The following is an entry in ClinVar:

ClinVar aggregate classification (germline): Conflicting classifications of pathogenicity. Review status: criteria provided, conflicting classifications (1 of 4 stars). 2 submissions from 2 submitters: Uncertain significance (1); Benign (1). Last evaluated 2023-04-26.

Submissions (2):

GeneDx
Classification: Uncertain significance. Last evaluated: 2023-04-26. Review status: criteria provided, single submitter. Criteria: GeneDx Variant Classification Process June 2021. Collection method: clinical testing. Allele origin: germline. Affected: yes.
Comment: Frameshift variant predicted to result in protein truncation or nonsense mediated decay in a gene or region of a gene for which loss of function is not a well-established mechanism of disease; Has not been previously published as pathogenic or benign to our knowledge; Reported using an alternate transcript of the gene

Women's Health and Genetics/Laboratory Corporation of America, LabCorp
Classification: Benign. Last evaluated: 2022-05-03. Review status: criteria provided, single submitter. Criteria: LabCorp Variant Classification Summary - May 2015. Collection method: clinical testing. Allele origin: germline.
Comment: Variant summary: C22orf25 (aka. TANGO2) c.56+122_56+131del10 is located at a position not widely known to affect splicing. 4/4 computational tools predict no significant impact on normal splicing. However, these predictions have yet to be confirmed by functional studies. The variant allele was found at a frequency of 0.00039 in 277874 control chromosomes, predominantly at a frequency of 0.0052 within the East Asian subpopulation in the gnomAD database, suggesting the variant might be benign. To our knowledge, no occurrence of c.56+122_56+131del10 in individuals affected with Recurrent Metabolic Encephalomyopathic Crises-Rhabdomyolysis Arrhythmia-Intellectual Disability Syndrome and no experimental evidence demonstrating its impact on protein function have been reported. No clinical diagnostic laboratories have submitted clinical-significance assessments for this variant to ClinVar after 2014. Based on the evidence outlined above, the variant was classified as benign.

NM_152906.7(TANGO2):c.56+122_56+131del

Gene: TANGO2 (transport and golgi organization 2 homolog; plus strand). Cytogenetic location: 22q11.21.
Variant type: Deletion.
Coding change: c.56+122_56+131del on transcript NM_152906.7 (MANE Select); bases 122 to 131 of the intron after coding-DNA position 56, 10 bases deleted (TGGCACTGCC; older notation c.56+122_56+131delTGGCACTGCC).
Molecular consequence: intron variant. On other transcripts: frameshift variant (8), 5 prime UTR variant (4), non-coding transcript variant (1).
Genome position (GRCh38, 1-based): chr22:20,036,976-20,036,985, TGGCACTGCC deleted; deleting any 10 consecutive bases within chr22:20,036,973-20,036,985 gives the same sequence; the c. name uses the placement nearest the transcript's 3' end. VCF-style (leftmost placement, unchanged base first): chr22-20036972-GGCCTGGCACT-G. GRCh37 (hg19) VCF-style: chr22-20024495-GGCCTGGCACT-G.
Other names: c.61_70del, p.Trp21fs (NM_001283129.3, NM_001283215.3, NM_001322141.2 and 5 more transcripts); c.-242_-233del (NM_001322148.2, NM_001322150.2, NM_001322172.2 and 1 more transcripts); c.56+122_56+131del (NM_001283106.3, NM_001322163.2, NM_001283179.3 and 10 more transcripts); c.-124+122_-124+131del (NM_001322174.2, NM_001322160.2, NM_001322175.2 and 5 more transcripts); short protein forms W21fs.
Identifiers: ClinVar variation 1698678 (VCV001698678.2), dbSNP rs545147497, ClinGen allele CA10106141.
Genomic context (GRCh38, chr22:20,036,972, plus strand): 5'-TCTCATGCCACCCAAGCTGCTGTGTGCAGGAAGGTGTGTGGGCCAGGACGGGGCTGCACA[GGCCTGGCACT>G]GCCCTCCAGGACAGGGTCACTCAGTGTGGGATGCTGTCAGAATGCCTCTCGGGGCGGGGA-3'